The following is an entry in ClinVar:

GRCh38/hg38 Xq28(chrX:155782123-155967288)x3

Genes: SPRY3 (sprouty RTK signaling antagonist 3; plus strand), VAMP7 (vesicle associated membrane protein 7; plus strand). Cytogenetic location: Xq28.
Variant type: copy number gain.
Change: copy number 3 of chrX:155,782,123-155,967,288 (185.2 kb, GRCh38 coordinates, 1-based), cytogenetic band Xq28.
Identifiers: ClinVar variation 60451 (VCV000060451.1).

ClinVar aggregate classification (germline): Uncertain significance (1 of 4 stars; one submission).

Submission:

ISCA site 4
Classification: Uncertain significance. Last evaluated: 2011-08-12. Review status: criteria provided, single submitter. Criteria: Kaminsky et al. (Genet Med. 2011). Collection method: clinical testing. Allele origin: unknown. Affected: yes. Observed: 1 variant allele.
Comment: Copy number variation identified through the course of routine clinical cytogenomic testing in postnatal populations. Clinical assertions have been curated as described in Kaminsky et al. 2011.